The following is an entry in ClinVar:

NM_018062.4(FANCL):c.374+18_374+29del

Gene: FANCL (FA complementation group L; minus strand). Cytogenetic location: 2p16.1.
Variant type: Deletion.
Coding change: c.374+18_374+29del on transcript NM_018062.4 (MANE Select); bases 18 to 29 of the intron after coding-DNA position 374, 12 bases deleted (TATGTTTTAAAT).
Molecular consequence: intron variant.
Genome position (GRCh38, 1-based): chr2:58,221,913-58,221,924, ATTTAAAACATA deleted on the plus strand (TATGTTTTAAAT on the coding strand, the reverse complement: FANCL is on the minus strand). VCF-style (leftmost placement, unchanged base first): chr2-58221912-CATTTAAAACATA-C. GRCh37 (hg19) VCF-style: chr2-58449047-CATTTAAAACATA-C.
Other names: c.374+18_374+29del (NM_001374615.1, NM_001114636.2, NM_001410792.1); c.374+18_374+29del12 (NM_018062.4).
Identifiers: ClinVar variation 1383866 (VCV001383866.8), dbSNP rs775890254, ClinGen allele CA1670668.

ClinVar aggregate classification (germline): Likely benign. Review status: criteria provided, multiple submitters, no conflicts (2 of 4 stars). 2 submissions from 2 submitters: Likely benign (2). Last evaluated 2025-10-16.

Conditions:
Fanconi anemia (FA). Also called: Fanconi's anemia. Identifiers: Orphanet 84, MedGen C0015625, MeSH D005199, MONDO:0019391.

Allele frequency attached by ClinVar (database versions not stated): ExAC 0.00001; gnomAD exomes 0.00002 and 0.00006; TOPMed 0.00002; gnomAD 0.00005.

Submissions (2):

Labcorp Genetics (formerly Invitae), Labcorp
Classification: Likely benign for Fanconi anemia. Last evaluated: 2025-10-16. Review status: criteria provided, single submitter. Criteria: Invitae Variant Classification Sherloc (09022015). Collection method: clinical testing. Allele origin: germline.

Women's Health and Genetics/Laboratory Corporation of America, LabCorp
Classification: Likely benign. Last evaluated: 2024-12-19. Review status: criteria provided, single submitter. Criteria: LabCorp Variant Classification Summary - May 2015. Collection method: clinical testing. Allele origin: germline.
Comment: Variant summary: FANCL c.374+18_374+29del12 alters a nucleotide located at a position not widely known to affect splicing. Two computational tools predict the variant creates a cryptic 3' acceptor site. However, these predictions have yet to be confirmed by functional studies. The variant allele was found at a frequency of 1.6e-05 in 245304 control chromosomes (gnomAD). The available data on variant occurrences in the general population are insufficient to allow any conclusion about variant significance. To our knowledge, no occurrence of c.374+18_374+29del12 in individuals affected with Fanconi Anemia and no experimental evidence demonstrating its impact on protein function have been reported. ClinVar contains an entry for this variant (Variation ID: 1383866). Based on the evidence outlined above, the variant was classified as likely benign.